The following is an entry in ClinVar:

ClinVar aggregate classification (germline): Uncertain significance (1 of 4 stars; one submission).

Conditions:
Progressive familial heart block type IB (PFHB1B). Identifiers: Orphanet 871, MedGen C1970298, MONDO:0011474, OMIM 604559.

gnomAD v4.1: 1 of 1,589,060 alleles (0.000063%); highest among the groups gnomAD compares: Non-Finnish European, 0.000086%; no homozygotes.

Submission:

Labcorp Genetics (formerly Invitae), Labcorp
Classification: Uncertain significance for Progressive familial heart block type IB. Last evaluated: 2025-07-24. Review status: criteria provided, single submitter. Criteria: Invitae Variant Classification Sherloc (09022015). Collection method: clinical testing. Allele origin: germline.
Comment: This sequence change affects a donor splice site in intron 11 of the TRPM4 gene. It is expected to disrupt RNA splicing. Variants that disrupt the donor or acceptor splice site typically lead to a loss of protein function (PMID: 16199547), however the current clinical and genetic evidence is not sufficient to establish whether loss-of-function variants in TRPM4 cause disease. This variant is not present in population databases (gnomAD no frequency). This variant has not been reported in the literature in individuals affected with TRPM4-related conditions. Algorithms developed to predict the effect of sequence changes on RNA splicing suggest that this variant may disrupt the consensus splice site. In summary, the available evidence is currently insufficient to determine the role of this variant in disease. Therefore, it has been classified as a Variant of Uncertain Significance.

Literature cited by the submitters: PubMed 16199547.

NM_017636.4(TRPM4):c.1608+2T>C

Gene: TRPM4 (transient receptor potential cation channel subfamily M member 4; plus strand). Cytogenetic location: 19q13.33.
Variant type: single nucleotide variant.
Coding change: c.1608+2T>C on transcript NM_017636.4 (MANE Select); the canonical splice donor site of the intron after coding-DNA position 1608, T replaced by C.
Molecular consequence: splice donor variant. On other transcripts: intron variant (1).
Genome position (GRCh38, 1-based): chr19:49,182,924, T>C. VCF-style: chr19-49182924-T-C. GRCh37 (hg19) VCF-style: chr19-49686181-T-C.
Other names: c.1608+2T>C (NM_001195227.2); c.-1+57T>C (NM_001321282.2); c.1263+2T>C (NM_001321281.2); c.1086+2T>C (NM_001321283.2); c.546+2T>C (NM_001321285.2).
Identifiers: ClinVar variation 4723958 (VCV004723958.1).
Genomic context (GRCh38, chr19:49,182,924, plus strand): 5'-CGAGGTACCCCTCCGGGGGCGCCTGGGACCCTCACCCAGGCCAGGGCTTCGGGGAGAGCG[T>C]AAGGACCGGGCAAAGCTGGGGGGCCCCCCCGCGCGGGAAGGACCTGGGGGCGGGATTACA-3'